The following is an entry in ClinVar:

ClinVar aggregate classification (germline): Pathogenic (1 of 4 stars; one submission).

Submission:

Labcorp Genetics (formerly Invitae), Labcorp
Classification: Pathogenic. Last evaluated: 2017-09-28. Review status: criteria provided, single submitter. Criteria: Invitae Variant Classification Sherloc (09022015). Collection method: clinical testing. Allele origin: germline.
Comment: This sequence change creates a premature translational stop signal (p.Trp357*) in the TMEM260 gene. It is expected to result in an absent or disrupted protein product. This variant is not present in population databases (ExAC no frequency). Loss-of-function variants in TMEM260 are known to be pathogenic (PMID: 28318500). This variant has not been reported in the literature in individuals with TMEM260-related disease. For these reasons, this variant has been classified as Pathogenic.

Literature cited by the submitters: PubMed 28318500.

NM_017799.4(TMEM260):c.1070G>A (p.Trp357Ter)

Gene: TMEM260 (transmembrane protein 260; plus strand). Cytogenetic location: 14q22.3.
Variant type: single nucleotide variant.
Coding change: c.1070G>A on transcript NM_017799.4 (MANE Select); coding-DNA position 1070, G replaced by A.
Protein change: p.Trp357Ter; replaces tryptophan 357 with a stop codon.
Molecular consequence: nonsense.
Genome position (GRCh38, 1-based): chr14:56,618,607, G>A. VCF-style: chr14-56618607-G-A. GRCh37 (hg19) VCF-style: chr14-57085325-G-A.
Other names: short protein forms W357*.
Identifiers: ClinVar variation 1076778 (VCV001076778.7), dbSNP rs2139591770, ClinGen allele CA389832157.